The following is an entry in ClinVar:

ClinVar aggregate classification (germline): Uncertain significance (1 of 4 stars; one submission).

Conditions:
Fanconi anemia complementation group O. Also called: RAD51C-Related Fanconi Anemia. Identifiers: Orphanet 84, MedGen C3150653, MONDO:0013248, OMIM 613390.

Submission:

Labcorp Genetics (formerly Invitae), Labcorp
Classification: Uncertain significance for Fanconi anemia complementation group O. Last evaluated: 2025-10-23. Review status: criteria provided, single submitter. Criteria: Invitae Variant Classification Sherloc (09022015). Collection method: clinical testing. Allele origin: germline.
Comment: This sequence change replaces lysine, which is basic and polar, with asparagine, which is neutral and polar, at codon 42 of the RAD51C protein (p.Lys42Asn). This variant is not present in population databases (gnomAD no frequency). This variant has not been reported in the literature in individuals affected with RAD51C-related conditions. Invitae Evidence Modeling of protein sequence and biophysical properties (such as structural, functional, and spatial information, amino acid conservation, physicochemical variation, residue mobility, and thermodynamic stability) indicates that this missense variant is not expected to disrupt RAD51C protein function with a negative predictive value of 80%. In summary, the available evidence is currently insufficient to determine the role of this variant in disease. Therefore, it has been classified as a Variant of Uncertain Significance.

NM_058216.3(RAD51C):c.126A>T (p.Lys42Asn)

Gene: RAD51C (RAD51 paralog C; plus strand). Cytogenetic location: 17q22.
Variant type: single nucleotide variant.
Coding change: c.126A>T on transcript NM_058216.3 (MANE Select); coding-DNA position 126, A replaced by T.
Protein change: p.Lys42Asn; replaces lysine 42 with asparagine.
Molecular consequence: missense variant. On other transcripts: non-coding transcript variant (1).
Genome position (GRCh38, 1-based): chr17:58,692,769, A>T. VCF-style: chr17-58692769-A-T. GRCh37 (hg19) VCF-style: chr17-56770130-A-T.
Other names: c.126A>T, p.Lys42Asn (NM_002876.4); short protein forms K42N.
Identifiers: ClinVar variation 4744391 (VCV004744391.1).
Genomic context (GRCh38, chr17:58,692,769, plus strand): 5'-GGTGCGGGTGAAGCTGGTGTCTGCGGGGTTCCAGACTGCTGAGGAACTCCTAGAGGTGAA[A>T]CCCTCCGAGCTTAGCAAAGGTAACGACTCCTGATGGCAAGCTGAGGCACACCGGCCGCCG-3'
Protein context (NP_478123.1, residues 32-52): FQTAEELLEV[Lys42Asn]PSELSKEVGI